The following is an entry in ClinVar:

NM_000257.4(MYH7):c.5654C>T (p.Ala1885Val)

Gene: MYH7 (myosin heavy chain 7; minus strand). Cytogenetic location: 14q11.2.
Variant type: single nucleotide variant.
Coding change: c.5654C>T on transcript NM_000257.4 (MANE Select); coding-DNA position 5654, C replaced by T.
Protein change: p.Ala1885Val; replaces alanine 1885 with valine.
Molecular consequence: missense variant.
Genome position (GRCh38, 1-based): chr14:23,414,008, G>A on the plus strand (C>T on the coding strand, the complement: MYH7 is on the minus strand). VCF-style: chr14-23414008-G-A. GRCh37 (hg19) VCF-style: chr14-23883217-G-A.
Other names: c.5654C>T (NM_000257.2); short protein forms A1885V.
Identifiers: ClinVar variation 1006900 (VCV001006900.9), dbSNP rs1892080169, ClinGen allele CA389034771.

ClinVar aggregate classification (germline): Uncertain significance. Review status: criteria provided, multiple submitters, no conflicts (2 of 4 stars). 2 submissions from 2 submitters: Uncertain significance (2). Last evaluated 2024-11-04.

Conditions:
Hypertrophic cardiomyopathy. Also called: HYPERTROPHIC MYOCARDIOPATHY. Identifiers: Orphanet 217569, MedGen C0007194, MeSH D002312, MONDO:0005045, HP:0001639.

Submissions (2):

Labcorp Genetics (formerly Invitae), Labcorp
Classification: Uncertain significance for Hypertrophic cardiomyopathy. Last evaluated: 2024-11-04. Review status: criteria provided, single submitter. Criteria: Invitae Variant Classification Sherloc (09022015). Collection method: clinical testing. Allele origin: germline.
Comment: This sequence change replaces alanine, which is neutral and non-polar, with valine, which is neutral and non-polar, at codon 1885 of the MYH7 protein (p.Ala1885Val). This variant is not present in population databases (gnomAD no frequency). This variant has not been reported in the literature in individuals affected with MYH7-related conditions. ClinVar contains an entry for this variant (Variation ID: 1006900). An algorithm developed to predict the effect of missense changes on protein structure and function (PolyPhen-2) suggests that this variant is likely to be tolerated. In summary, the available evidence is currently insufficient to determine the role of this variant in disease. Therefore, it has been classified as a Variant of Uncertain Significance.

GeneDx
Classification: Uncertain significance. Last evaluated: 2023-11-10. Review status: criteria provided, single submitter. Criteria: GeneDx Variant Classification Process June 2021. Collection method: clinical testing. Allele origin: germline. Affected: yes.
Comment: Not observed at significant frequency in large population cohorts (gnomAD); In silico analysis supports that this missense variant has a deleterious effect on protein structure/function; Has not been previously published as pathogenic or benign to our knowledge; In silico analysis suggests this variant may impact gene splicing. In the absence of RNA/functional studies, the actual effect of this sequence change is unknown.